The following is an entry in ClinVar:

ClinVar aggregate classification (germline): Uncertain significance (1 of 4 stars; one submission).

Conditions:
LAMA2-related muscular dystrophy (LAMA2-RD). Also called: Laminin alpha 2-related dystrophy. Identifiers: MedGen C5679788, MONDO:0100228.

Allele frequency attached by ClinVar (database versions not stated): gnomAD exomes 0.00001.
gnomAD v4.1: 8 of 1,605,896 alleles (0.0005%); highest among the groups gnomAD compares: South Asian, 0.0066%; no homozygotes.

Submission:

Labcorp Genetics (formerly Invitae), Labcorp
Classification: Uncertain significance for LAMA2-related muscular dystrophy. Last evaluated: 2022-02-10. Review status: criteria provided, single submitter. Criteria: Invitae Variant Classification Sherloc (09022015). Collection method: clinical testing. Allele origin: germline.
Comment: This sequence change replaces glycine, which is neutral and non-polar, with glutamic acid, which is acidic and polar, at codon 1132 of the LAMA2 protein (p.Gly1132Glu). This variant is not present in population databases (gnomAD no frequency). This variant has not been reported in the literature in individuals affected with LAMA2-related conditions. Advanced modeling of protein sequence and biophysical properties (such as structural, functional, and spatial information, amino acid conservation, physicochemical variation, residue mobility, and thermodynamic stability) performed at Invitae indicates that this missense variant is not expected to disrupt LAMA2 protein function. In summary, the available evidence is currently insufficient to determine the role of this variant in disease. Therefore, it has been classified as a Variant of Uncertain Significance.

NM_000426.4(LAMA2):c.3395G>A (p.Gly1132Glu)

Gene: LAMA2 (laminin subunit alpha 2; plus strand). Cytogenetic location: 6q22.33.
Variant type: single nucleotide variant.
Coding change: c.3395G>A on transcript NM_000426.4 (MANE Select); coding-DNA position 3395, G replaced by A.
Protein change: p.Gly1132Glu; replaces glycine 1132 with glutamic acid.
Molecular consequence: missense variant.
Genome position (GRCh38, 1-based): chr6:129,313,081, G>A. VCF-style: chr6-129313081-G-A. GRCh37 (hg19) VCF-style: chr6-129634226-G-A.
Other names: c.3395G>A, p.Gly1132Glu (NM_001079823.2); short protein forms G1132E.
Identifiers: ClinVar variation 1946770 (VCV001946770.2), dbSNP rs2482400354, ClinGen allele CA365612120.